The following is an entry in ClinVar:

NM_001127208.3(TET2):c.1867A>C (p.Lys623Gln)

Genes: TET2 (tet methylcytosine dioxygenase 2; plus strand), TET2-AS1 (TET2 antisense RNA 1; minus strand). Cytogenetic location: 4q24.
Variant type: single nucleotide variant.
Coding change: c.1867A>C on transcript NM_001127208.3 (MANE Select); coding-DNA position 1867, A replaced by C.
Protein change: p.Lys623Gln; replaces lysine 623 with glutamine.
Molecular consequence: missense variant.
Genome position (GRCh38, 1-based): chr4:105,235,809, A>C. VCF-style: chr4-105235809-A-C. GRCh37 (hg19) VCF-style: chr4-106156966-A-C.
Other names: c.1867A>C, p.Lys623Gln (NM_017628.4); short protein forms K623Q.
Identifiers: ClinVar variation 3967473 (VCV003967473.1).

ClinVar aggregate classification (germline): Uncertain significance (1 of 4 stars; one submission).

gnomAD v4.1: 2 of 1,614,122 alleles (0.00012%); highest among the groups gnomAD compares: Non-Finnish European, 0.00017%; no homozygotes.

Submission:

Ambry Genetics
Classification: Uncertain significance. Last evaluated: 2025-03-20. Review status: criteria provided, single submitter. Criteria: Ambry Variant Classification Scheme 2023. Collection method: clinical testing. Allele origin: germline.
Comment: The p.K623Q variant (also known as c.1867A>C), located in coding exon 1 of the TET2 gene, results from an A to C substitution at nucleotide position 1867. The lysine at codon 623 is replaced by glutamine, an amino acid with similar properties. This amino acid position is conserved. In addition, this alteration is predicted to be tolerated by in silico analysis. Based on the available evidence, the clinical significance of this variant remains unclear.